The following is an entry in ClinVar:

ClinVar aggregate classification (germline): Uncertain significance (1 of 4 stars; one submission).

Conditions:
Hereditary breast ovarian cancer syndrome. Also called: BRCA1- and BRCA2-Associated Hereditary Breast and Ovarian Cancer; Hereditary breast and/or ovarian cancer syndrome; Hereditary breast and ovarian cancer syndrome; Hereditary breast and ovarian cancer syndrome (HBOC); Breast and ovarian cancer; Hereditary breast and ovarian cancer. Identifiers: Orphanet 145, MedGen C0677776, MeSH D061325, MONDO:0003582. Disease mechanism: loss of function.

Submission:

Labcorp Genetics (formerly Invitae), Labcorp
Classification: Uncertain significance for Hereditary breast ovarian cancer syndrome. Last evaluated: 2022-01-16. Review status: criteria provided, single submitter. Criteria: Invitae Variant Classification Sherloc (09022015). Collection method: clinical testing. Allele origin: germline.
Comment: In summary, the available evidence is currently insufficient to determine the role of this variant in disease. Therefore, it has been classified as a Variant of Uncertain Significance. Variants that disrupt the consensus splice site are a relatively common cause of aberrant splicing (PMID: 17576681, 9536098). Algorithms developed to predict the effect of sequence changes on RNA splicing suggest that this variant is not likely to affect RNA splicing. This variant has not been reported in the literature in individuals affected with BRCA2-related conditions. This variant is not present in population databases (gnomAD no frequency). This sequence change falls in intron 15 of the BRCA2 gene. It does not directly change the encoded amino acid sequence of the BRCA2 protein. It affects a nucleotide within the consensus splice site.

Literature cited by the submitters: PubMed 17576681; PubMed 9536098.

NM_000059.4(BRCA2):c.7617+6T>C

Gene: BRCA2 (BRCA2 DNA repair associated; plus strand). Cytogenetic location: 13q13.1.
Variant type: single nucleotide variant.
Coding change: c.7617+6T>C on transcript NM_000059.4 (MANE Select); 6 bases into the intron after coding-DNA position 7617, T replaced by C.
Molecular consequence: intron variant.
Genome position (GRCh38, 1-based): chr13:32,356,615, T>C. VCF-style: chr13-32356615-T-C. GRCh37 (hg19) VCF-style: chr13-32930752-T-C.
Identifiers: ClinVar variation 2085217 (VCV002085217.4), dbSNP rs2137563744, ClinGen allele CA2575388055.